The following is an entry in ClinVar:

NM_001165963.4(SCN1A):c.2589+114T>C

Gene: SCN1A (sodium voltage-gated channel alpha subunit 1; minus strand). Cytogenetic location: 2q24.3.
Variant type: single nucleotide variant.
Coding change: c.2589+114T>C on transcript NM_001165963.4 (MANE Select); 114 bases into the intron after coding-DNA position 2589, T replaced by C.
Molecular consequence: intron variant.
Genome position (GRCh38, 1-based): chr2:166,039,309, A>G on the plus strand (T>C on the coding strand, the complement: SCN1A is on the minus strand). VCF-style: chr2-166039309-A-G. GRCh37 (hg19) VCF-style: chr2-166895819-A-G.
Other names: c.2556+114T>C (NM_001353949.2, NM_001353950.2, NM_001353951.2 and 2 more transcripts); c.2505+114T>C (NM_001353958.2, NM_001353957.2, NM_001165964.3); c.2589+114T>C (NM_001202435.3, NM_001353948.2); c.2553+114T>C (NM_001353955.2, NM_001353954.2); c.2502+114T>C (NM_001353960.2); c.147+114T>C (NM_001353961.2).
Identifiers: ClinVar variation 674941 (VCV000674941.2), dbSNP rs10168027, ClinGen allele CA11166029.

ClinVar aggregate classification (germline): Benign. Review status: criteria provided, multiple submitters, no conflicts (2 of 4 stars). 2 submissions from 2 submitters: Benign (2). Last evaluated 2018-06-14.

Allele frequency attached by ClinVar (database versions not stated): 1000 Genomes Project 30x 0.21268; 1000 Genomes Project 0.21805; TOPMed 0.24836; gnomAD 0.25833 and 0.25950; gnomAD exomes 0.31870.
gnomAD v4.1: 329,820 of 1,063,322 alleles (31%); highest among the groups gnomAD compares: Non-Finnish European, 34%; 53,808 homozygotes.

Submissions (2):

GeneDx
Classification: Benign. Last evaluated: 2018-06-14. Review status: criteria provided, single submitter. Criteria: GeneDx Variant Classification (06012015). Collection method: clinical testing. Allele origin: germline. Affected: yes.
Comment: This variant is considered likely benign or benign based on one or more of the following criteria: it is a conservative change, it occurs at a poorly conserved position in the protein, it is predicted to be benign by multiple in silico algorithms, and/or has population frequency not consistent with disease.

Breakthrough Genomics
Classification: Benign. Review status: criteria provided, single submitter. Criteria: ACMG Guidelines, 2015. Collection method: not provided. Allele origin: germline. Inheritance: Autosomal dominant inheritance. Affected: yes.